The following continues an entry in ClinVar:

NM_020975.6(RET):c.1858T>G (p.Cys620Gly)

Gene: RET. ClinVar aggregate classification (germline): Pathogenic. Pathogenic (8).

Submissions 7 to 9 of 9:

Laboratory for Molecular Medicine, Mass General Brigham Personalized Medicine
Classification: Pathogenic for Aganglionic megacolon; Multiple endocrine neoplasia, type 2. Last evaluated: 2017-07-24. Review status: criteria provided, single submitter. Criteria: LMM Criteria. Collection method: clinical testing. Allele origin: germline. Inheritance: Autosomal dominant inheritance. Observed: 1 variant allele.
Comment: The p.Cys620Gly variant in RET has been reported in at least 10 probands with R ET-associated disorders (diagnoses included medullary thyroid carcinoma (MTC), m ultiple endocrine neoplasia type 2A (MEN2A), and/or Hirschsprung disease) and se gregated with disease in at least 4 individuals from at least family (Kitamura 1 997, Niccoli-Sire 2001, Kruckeberg 2004, Frank-Raue 2011). This variant has also been reported by other clinical laboratories in ClinVar (Variation ID# 24905) a nd was absent from large population studies. Additionally, other amino acid cha nges at this position have been reported in patients with MEN2A, and variants at cysteine residues in exon 10 or 11 of RET account for the majority of familial MTC and MEN2A cases (Hansford 2000, Kruckeberg 2004, Coyle 2014). Computational prediction tools and conservation analysis also suggest that the p.Cys620Gly var iant may impact the protein. In summary, this variant meets criteria to be class ified as pathogenic for MEN2A in an autosomal dominant manner based on presence in multiple affected individuals, segregation studies, absence from the general population, presence in a mutational hotspot and computational evidence. ACMG/AM P Criteria applied: PS4, PM1, PM2, PP3, PP1_supporting (Richards 2015).

ARUP Laboratories, Molecular Genetics and Genomics, ARUP Laboratories
Classification: Pathogenic. Last evaluated: 2016-11-22. Review status: criteria provided, single submitter. Criteria: ARUP Molecular Germline Variant Investigation Process. Collection method: clinical testing. Allele origin: germline.

PreventionGenetics, part of Exact Sciences
Classification: Pathogenic for RET-related condition. Last evaluated: 2024-06-28. Review status: no assertion criteria provided. Collection method: clinical testing. Allele origin: germline. Not counted in ClinVar's aggregate classification.
Comment: The RET c.1858T>G variant is predicted to result in the amino acid substitution p.Cys620Gly. This variant has been reported in multiple individuals with RET-associated phenotypes including medullary thyroid carcinoma, multiple endocrine neoplasia type 2A, and Hirschsprung disease (Romei C et al. 2010. PubMed ID: 20516206; Maciel RMB et al. 2019. PubMed ID: 30763276; Frank-Raue K et al. 2011. PubMed ID: 20979234; Eng et al. 1997. PubMed ID: 9067749; Niccoli-Sire P et al. 2001. PubMed ID: 11502806; Kruckeberg KE et al. 2004. PubMed ID: 14718397). This variant has not been reported in a large population database, indicating this variant is rare. This variant is interpreted as pathogenic in ClinVar with multiple submitters in agreement. This variant is interpreted as pathogenic.

Literature cited by the submitters: PubMed 20516206 (cited by Labcorp Genetics (formerly Invitae), Labcorp and All of Us Research Program, National Institutes of Health); PubMed 20979234 (cited by 3 submitters); PubMed 25694125 (cited by 3 submitters); PubMed 30763276 (cited by Labcorp Genetics (formerly Invitae), Labcorp); PubMed 7849720 (cited by Labcorp Genetics (formerly Invitae), Labcorp); PubMed 7874109 (cited by Labcorp Genetics (formerly Invitae), Labcorp); PubMed 9146685 (cited by Labcorp Genetics (formerly Invitae), Labcorp); PubMed 9384613 (cited by Labcorp Genetics (formerly Invitae), Labcorp); PubMed 18206480 (cited by Labcorp Genetics (formerly Invitae), Labcorp); PubMed 19336503 (cited by Labcorp Genetics (formerly Invitae), Labcorp); PubMed 19826964 (cited by Labcorp Genetics (formerly Invitae), Labcorp); PubMed 24805091 (cited by Labcorp Genetics (formerly Invitae), Labcorp); PubMed 14718397 (cited by 3 submitters); PubMed 22156466 (cited by Women's Health and Genetics/Laboratory Corporation of America, LabCorp); PubMed 33340421 (cited by Women's Health and Genetics/Laboratory Corporation of America, LabCorp); PubMed 24064755 (cited by Women's Health and Genetics/Laboratory Corporation of America, LabCorp); PubMed 9223675 (cited by All of Us Research Program, National Institutes of Health and Laboratory for Molecular Medicine, Mass General Brigham Personalized Medicine); PubMed 11502806 (cited by All of Us Research Program, National Institutes of Health and Laboratory for Molecular Medicine, Mass General Brigham Personalized Medicine); PubMed 25810047 (cited by All of Us Research Program, National Institutes of Health); PubMed 28946813 (cited by All of Us Research Program, National Institutes of Health); PubMed 29579362 (cited by All of Us Research Program, National Institutes of Health); PubMed 33603219 (cited by All of Us Research Program, National Institutes of Health); PubMed 35884466 (cited by All of Us Research Program, National Institutes of Health); PubMed 8918855 (cited by Ambry Genetics); PubMed 9067749 (cited by Ambry Genetics); PubMed 24972642 (cited by Laboratory for Molecular Medicine, Mass General Brigham Personalized Medicine); PubMed 11073534 (cited by Laboratory for Molecular Medicine, Mass General Brigham Personalized Medicine).